The following is an entry in ClinVar:

NM_016373.4(WWOX):c.833G>A (p.Ser278Asn)

Gene: WWOX (WW domain containing oxidoreductase; plus strand). Cytogenetic location: 16q23.1.
Variant type: single nucleotide variant.
Coding change: c.833G>A on transcript NM_016373.4 (MANE Select); coding-DNA position 833, G replaced by A.
Protein change: p.Ser278Asn; replaces serine 278 with asparagine.
Molecular consequence: missense variant.
Genome position (GRCh38, 1-based): chr16:78,432,529, G>A. VCF-style: chr16-78432529-G-A. GRCh37 (hg19) VCF-style: chr16-78466426-G-A.
Other names: c.494G>A, p.Ser165Asn (NM_001291997.2); short protein forms S165N, S278N.
Identifiers: ClinVar variation 2090515 (VCV002090515.4), dbSNP rs1344635726, ClinGen allele CA396843112.
Genomic context (GRCh38, chr16:78,432,529, plus strand): 5'-CATATTTCCTATTTTTAAGATTTACAGATATTAACGACTCCTTGGGAAAACTGGACTTCA[G>A]TCGCCTCTCTCCAACAAAAAACGACTATTGGGCGATGCTGGCTTATAACAGGTCCAAGCT-3'
Protein context (NP_057457.1, residues 268-288): INDSLGKLDF[Ser278Asn]RLSPTKNDYW

ClinVar aggregate classification (germline): Uncertain significance (1 of 4 stars; one submission).

Conditions:
Developmental and epileptic encephalopathy, 1 (DEE1). Also called: X-linked infantile spasms; West's syndrome; Tonic spasms with clustering, arrest of psychomotor development and hypsarrhythmia on EEG; X-Linked Infantile Spasm Syndrome; OHTAHARA SYNDROME, X-LINKED; INFANTILE SPASM SYNDROME, X-LINKED 1. Identifiers: MedGen C3463992, MONDO:0010632, OMIM 308350. Disease mechanism: loss of function.
Autosomal recessive spinocerebellar ataxia 12. Also called: SPINOCEREBELLAR ATAXIA WITH MENTAL RETARDATION AND EPILEPSY. Identifiers: Orphanet 284282, MedGen C3280452, MONDO:0013687, OMIM 614322.

Submission:

Labcorp Genetics (formerly Invitae), Labcorp
Classification: Uncertain significance for Developmental and epileptic encephalopathy, 1; Autosomal recessive spinocerebellar ataxia 12. Last evaluated: 2022-02-08. Review status: criteria provided, single submitter. Criteria: Invitae Variant Classification Sherloc (09022015). Collection method: clinical testing. Allele origin: germline.
Comment: This sequence change replaces serine, which is neutral and polar, with asparagine, which is neutral and polar, at codon 278 of the WWOX protein (p.Ser278Asn). This variant is not present in population databases (gnomAD no frequency). This variant has not been reported in the literature in individuals affected with WWOX-related conditions. Algorithms developed to predict the effect of missense changes on protein structure and function are either unavailable or do not agree on the potential impact of this missense change (SIFT: "Not Available"; PolyPhen-2: "Benign"; Align-GVGD: "Not Available"). In summary, the available evidence is currently insufficient to determine the role of this variant in disease. Therefore, it has been classified as a Variant of Uncertain Significance.